The following is an entry in ClinVar:

ClinVar aggregate classification (germline): Pathogenic (1 of 4 stars; one submission).

Submission:

Labcorp Genetics (formerly Invitae), Labcorp
Classification: Pathogenic. Last evaluated: 2023-08-09. Review status: criteria provided, single submitter. Criteria: Invitae Variant Classification Sherloc (09022015). Collection method: clinical testing. Allele origin: unknown.
Comment: For these reasons, this variant has been classified as Pathogenic. This variant disrupts a region of the PRKN protein in which other variant(s) (p.Gly284Arg) have been determined to be pathogenic (PMID: 12973932, 15642853, 18554280, 20399249, 24831986, 25045378, 27177722). This suggests that this is a clinically significant region of the protein, and that variants that disrupt it are likely to be disease-causing. This variant has not been reported in the literature in individuals affected with PRKN-related conditions. This variant is a gross deletion of the genomic region encompassing exon(s) 6-9 of the PRKN gene. This variant would be expected to be in-frame, preserving the integrity of the reading frame.

Literature cited by the submitters: PubMed 12973932; PubMed 15642853; PubMed 18554280; PubMed 20399249; PubMed 24831986; PubMed 25045378; PubMed 27177722.

NC_000006.11:g.(?_161969866)_(162394469_?)del

Gene: PRKN (parkin RBR E3 ubiquitin protein ligase; minus strand). Cytogenetic location: 6q26.
Variant type: Deletion.
Identifiers: ClinVar variation 3246183 (VCV003246183.1).